The following is an entry in ClinVar:

ClinVar aggregate classification (germline): Uncertain significance. Review status: criteria provided, multiple submitters, no conflicts (2 of 4 stars). 2 submissions from 2 submitters: Uncertain significance (2). Last evaluated 2021-12-02.

Conditions:
Adams-Oliver syndrome 1 (AOS1). Also called: CONGENITAL SCALP DEFECTS WITH DISTAL LIMB REDUCTION ANOMALIES; APLASIA CUTIS CONGENITA WITH TERMINAL TRANSVERSE LIMB DEFECTS; ABSENCE DEFECT OF LIMBS, SCALP, AND SKULL. Identifiers: Orphanet 974, MedGen C4551482, MONDO:0024506, OMIM 100300.

Submissions (2):

Labcorp Genetics (formerly Invitae), Labcorp
Classification: Uncertain significance. Last evaluated: 2021-12-02. Review status: criteria provided, single submitter. Criteria: Invitae Variant Classification Sherloc (09022015). Collection method: clinical testing. Allele origin: germline.
Comment: This sequence change replaces histidine, which is basic and polar, with tyrosine, which is neutral and polar, at codon 48 of the ARHGAP31 protein (p.His48Tyr). This variant is not present in population databases (gnomAD no frequency). In summary, the available evidence is currently insufficient to determine the role of this variant in disease. Therefore, it has been classified as a Variant of Uncertain Significance. Algorithms developed to predict the effect of missense changes on protein structure and function are either unavailable or do not agree on the potential impact of this missense change (SIFT: "Tolerated"; PolyPhen-2: "Probably Damaging"; Align-GVGD: "Class C0"). ClinVar contains an entry for this variant (Variation ID: 1028180). This variant has not been reported in the literature in individuals affected with ARHGAP31-related conditions.

Baylor Genetics
Classification: Uncertain significance for Adams-Oliver syndrome 1. Last evaluated: 2020-11-20. Review status: criteria provided, single submitter. Criteria: ACMG Guidelines, 2015. Collection method: clinical testing. Allele origin: unknown. Affected: yes.
Comment: This variant was determined to be of uncertain significance according to ACMG Guidelines, 2015 [PMID:25741868].

NM_020754.4(ARHGAP31):c.142C>T (p.His48Tyr)

Gene: ARHGAP31 (Rho GTPase activating protein 31; plus strand). Cytogenetic location: 3q13.33.
Variant type: single nucleotide variant.
Coding change: c.142C>T on transcript NM_020754.4 (MANE Select); coding-DNA position 142, C replaced by T.
Protein change: p.His48Tyr; replaces histidine 48 with tyrosine.
Molecular consequence: missense variant.
Genome position (GRCh38, 1-based): chr3:119,365,357, C>T. VCF-style: chr3-119365357-C-T. GRCh37 (hg19) VCF-style: chr3-119084204-C-T.
Other names: short protein forms H48Y.
Identifiers: ClinVar variation 1028180 (VCV001028180.6), dbSNP rs2080244695, ClinGen allele CA354349434.
Genomic context (GRCh38, chr3:119,365,357, plus strand): 5'-TTTCTTTTCTTTTACATAGTTCCATACGTTTTGAAGAGCTGTGCAGAATTTATAGAGACT[C>T]ACGGCATCGTGGATGGAATCTATCGGCTTTCAGGAGTCACCTCAAACATACAACGGCTAA-3'
Protein context (NP_065805.2, residues 38-58): LKSCAEFIET[His48Tyr]GIVDGIYRLS